The following is an entry in ClinVar:

ClinVar aggregate classification (germline): Uncertain significance (1 of 4 stars; one submission).

Submission:

Labcorp Genetics (formerly Invitae), Labcorp
Classification: Uncertain significance. Last evaluated: 2022-07-03. Review status: criteria provided, single submitter. Criteria: Invitae Variant Classification Sherloc (09022015). Collection method: clinical testing. Allele origin: germline.
Comment: In summary, the available evidence is currently insufficient to determine the role of this variant in disease. Therefore, it has been classified as a Variant of Uncertain Significance. This variant has not been reported in the literature in individuals affected with EXOSC2-related conditions. This variant is not present in population databases (gnomAD no frequency). This sequence change creates a premature translational stop signal (p.Pro8Glnfs*19) in the EXOSC2 gene. It is expected to result in an absent or disrupted protein product. However, the current clinical and genetic evidence is not sufficient to establish whether loss-of-function variants in EXOSC2 cause disease.

NM_014285.7(EXOSC2):c.23del (p.Pro8fs)

Gene: EXOSC2 (exosome component 2; plus strand). Cytogenetic location: 9q34.12.
Variant type: Deletion.
Coding change: c.23del on transcript NM_014285.7 (MANE Select); coding-DNA position 23, one base deleted (C; older notation c.23delC).
Protein change: p.Pro8fs; shifts the reading frame from proline 8.
Molecular consequence: frameshift variant. On other transcripts: non-coding transcript variant (1).
Genome position (GRCh38, 1-based): chr9:130,693,814, C deleted; the last of 2 consecutive C bases (chr9:130,693,813-130,693,814); deleting either gives the same sequence. VCF-style (leftmost placement, unchanged base first): chr9-130693812-TC-T. GRCh37 (hg19) VCF-style: chr9-133569199-TC-T.
Other names: c.23del, p.Pro8fs (NM_001282708.1, NM_001282709.1); short protein forms P8fs.
Identifiers: ClinVar variation 2013423 (VCV002013423.4), dbSNP rs2490767375, ClinGen allele CA2580079800.